The following is an entry in ClinVar:

ClinVar aggregate classification (germline): Uncertain significance (1 of 4 stars; one submission).

gnomAD v4.1: 2 of 1,210,624 alleles (0.00017%); highest among the groups gnomAD compares: Non-Finnish European, 0.00022%; no homozygotes.

Submission:

Dasa
Classification: Uncertain significance. Last evaluated: 2025-09-25. Review status: criteria provided, single submitter. Criteria: DASA Assertion Criteria. Collection method: clinical testing. Allele origin: germline.
Comment: NM_001330360.2(POLA1):c.1634T>C (p.Val545Ala) is a missense variant that results in the substitution of valine with alanine. This variant is rare in population databases. The currently available literature and clinical evidence are not sufficient to establish a definitive association between this variant and the reported condition. Therefore, this variant is classified as a variant of uncertain significance.

NM_001330360.2(POLA1):c.1634T>C (p.Val545Ala)

Gene: POLA1 (DNA polymerase alpha 1, catalytic subunit; plus strand). Cytogenetic location: Xp22.11.
Variant type: single nucleotide variant.
Coding change: c.1634T>C on transcript NM_001330360.2 (MANE Select); coding-DNA position 1634, T replaced by C.
Protein change: p.Val545Ala; replaces valine 545 with alanine.
Molecular consequence: missense variant. On other transcripts: non-coding transcript variant (2).
Genome position (GRCh38, 1-based): chrX:24,727,884, T>C. VCF-style: chrX-24727884-T-C. GRCh37 (hg19) VCF-style: chrX-24746001-T-C.
Other names: c.1559T>C, p.Val520Ala (NM_001378303.1); c.1634T>C, p.Val545Ala (NM_001440806.1); c.1616T>C, p.Val539Ala (NM_016937.4); short protein forms V520A, V539A, V545A.
Identifiers: ClinVar variation 4882372 (VCV004882372.2).
Genomic context (GRCh38, chrX:24,727,884, plus strand): 5'-TGGCTTTGAAACCAGACCTGGTGAATGTAATTAAGGATGTCAGTCCACCACCGCTTGTCG[T>C]GATGGCTTTCAGCATGAAGACAATGCAGAATGCAAAGAACCATCAAAATGAGGTTTAAAA-3'
Protein context (NP_001317289.1, residues 535-555): IKDVSPPPLV[Val545Ala]MAFSMKTMQN